The following is an entry in ClinVar:

ClinVar aggregate classification (germline): Uncertain significance (1 of 4 stars; one submission).

Submission:

Labcorp Genetics (formerly Invitae), Labcorp
Classification: Uncertain significance. Last evaluated: 2024-07-19. Review status: criteria provided, single submitter. Criteria: Invitae Variant Classification Sherloc (09022015). Collection method: clinical testing. Allele origin: germline.
Comment: This sequence change replaces cysteine, which is neutral and slightly polar, with arginine, which is basic and polar, at codon 1525 of the CACNA1E protein (p.Cys1525Arg). This variant is not present in population databases (gnomAD no frequency). This variant has not been reported in the literature in individuals affected with CACNA1E-related conditions. Advanced modeling of protein sequence and biophysical properties (such as structural, functional, and spatial information, amino acid conservation, physicochemical variation, residue mobility, and thermodynamic stability) has been performed at Invitae for this missense variant, however the output from this modeling did not meet the statistical confidence thresholds required to predict the impact of this variant on CACNA1E protein function. In summary, the available evidence is currently insufficient to determine the role of this variant in disease. Therefore, it has been classified as a Variant of Uncertain Significance.

NM_001205293.3(CACNA1E):c.4573T>C (p.Cys1525Arg)

Gene: CACNA1E (calcium voltage-gated channel subunit alpha1 E; plus strand). Cytogenetic location: 1q25.3.
Variant type: single nucleotide variant.
Coding change: c.4573T>C on transcript NM_001205293.3 (MANE Select); coding-DNA position 4573, T replaced by C.
Protein change: p.Cys1525Arg; replaces cysteine 1525 with arginine.
Molecular consequence: missense variant.
Genome position (GRCh38, 1-based): chr1:181,758,836, T>C. VCF-style: chr1-181758836-T-C. GRCh37 (hg19) VCF-style: chr1-181727972-T-C.
Other names: c.4573T>C, p.Cys1525Arg (NM_000721.4); c.4516T>C, p.Cys1506Arg (NM_001205294.2); short protein forms C1506R, C1525R.
Identifiers: ClinVar variation 3633683 (VCV003633683.2).